The following is an entry in ClinVar:

ClinVar aggregate classification (germline): Uncertain significance. Review status: criteria provided, multiple submitters, no conflicts (2 of 4 stars). 2 submissions from 2 submitters: Uncertain significance (2). Last evaluated 2025-01-21.

Conditions:
Hereditary cancer-predisposing syndrome. Also called: Neoplastic Syndromes, Hereditary; Hereditary neoplastic syndrome; Tumor predisposition; Hereditary Cancer Syndrome. Identifiers: Orphanet 140162, MedGen C0027672, MeSH D009386, MONDO:0015356.
Cardiovascular phenotype. Identifiers: MedGen CN230736.

Allele frequency attached by ClinVar (database versions not stated): ExAC 0.00001; gnomAD exomes 0.00001.
gnomAD v4.1: 3 of 1,613,854 alleles (0.00019%); highest among the groups gnomAD compares: East Asian, 0.0067%; no homozygotes.

Submissions (2):

Labcorp Genetics (formerly Invitae), Labcorp
Classification: Uncertain significance. Last evaluated: 2025-01-21. Review status: criteria provided, single submitter. Criteria: Invitae Variant Classification Sherloc (09022015). Collection method: clinical testing. Allele origin: germline.
Comment: This sequence change replaces aspartic acid, which is acidic and polar, with asparagine, which is neutral and polar, at codon 822 of the LZTR1 protein (p.Asp822Asn). This variant is present in population databases (rs753487638, gnomAD 0.01%). This variant has not been reported in the literature in individuals affected with LZTR1-related conditions. ClinVar contains an entry for this variant (Variation ID: 2886853). Invitae Evidence Modeling of protein sequence and biophysical properties (such as structural, functional, and spatial information, amino acid conservation, physicochemical variation, residue mobility, and thermodynamic stability) indicates that this missense variant is not expected to disrupt LZTR1 protein function with a negative predictive value of 80%. In summary, the available evidence is currently insufficient to determine the role of this variant in disease. Therefore, it has been classified as a Variant of Uncertain Significance.

Ambry Genetics
Classification: Uncertain significance for Cardiovascular phenotype; Hereditary cancer-predisposing syndrome. Last evaluated: 2023-09-02. Review status: criteria provided, single submitter. Criteria: Ambry Variant Classification Scheme 2023. Collection method: clinical testing. Allele origin: germline.
Comment: The p.D822N variant (also known as c.2464G>A), located in coding exon 21 of the LZTR1 gene, results from a G to A substitution at nucleotide position 2464. The aspartic acid at codon 822 is replaced by asparagine, an amino acid with highly similar properties. This amino acid position is conserved. In addition, this alteration is predicted to be tolerated by in silico analysis. Since supporting evidence is limited at this time, the clinical significance of this alteration remains unclear.

NM_006767.4(LZTR1):c.2464G>A (p.Asp822Asn)

Gene: LZTR1 (leucine zipper like post translational regulator 1; plus strand). Cytogenetic location: 22q11.21.
Variant type: single nucleotide variant.
Coding change: c.2464G>A on transcript NM_006767.4 (MANE Select); coding-DNA position 2464, G replaced by A.
Protein change: p.Asp822Asn; replaces aspartic acid 822 with asparagine.
Molecular consequence: missense variant.
Genome position (GRCh38, 1-based): chr22:20,997,289, G>A. VCF-style: chr22-20997289-G-A. GRCh37 (hg19) VCF-style: chr22-21351578-G-A.
Other names: c.2464G>A (NM_006767.3); short protein forms D822N.
Identifiers: ClinVar variation 2886853 (VCV002886853.4), dbSNP rs753487638, ClinGen allele CA10119471.
Genomic context (GRCh38, chr22:20,997,289, plus strand): 5'-CAGGTCTCCAAGTTGCCCACCCTGCGGTCGCTGAGCCAGCAGCTGCTGCTGGACATCATA[G>A]ACTCCCTGGCCTCCCACATCTCAGACAAGCAGTGCGCAGAGCTGGGCGCCGACATCTGAG-3'
Protein context (NP_006758.2, residues 812-832): LSQQLLLDII[Asp822Asn]SLASHISDKQ